The following is an entry in ClinVar:

ClinVar aggregate classification (germline): Uncertain significance (1 of 4 stars; one submission).

Conditions:
Neurodevelopmental disorder, mitochondrial, with abnormal movements and lactic acidosis, with or without seizures. Identifiers: Orphanet 572798, MedGen C4540192, MONDO:0060578, OMIM 617710.

Allele frequency attached by ClinVar (database versions not stated): gnomAD exomes below 0.00001; TOPMed below 0.00001.

Submission:

Baylor Genetics
Classification: Uncertain significance for Neurodevelopmental disorder, mitochondrial, with abnormal movements and lactic acidosis, with or without seizures. Last evaluated: 2019-02-22. Review status: criteria provided, single submitter. Criteria: ACMG Guidelines, 2015. Collection method: clinical testing. Allele origin: unknown. Affected: yes.
Comment: This variant was determined to be of uncertain significance according to ACMG Guidelines, 2015 [PMID:25741868].

NM_015836.4(WARS2):c.1016C>T (p.Ser339Leu)

Gene: WARS2 (tryptophanyl tRNA synthetase 2, mitochondrial; minus strand). Cytogenetic location: 1p12.
Variant type: single nucleotide variant.
Coding change: c.1016C>T on transcript NM_015836.4 (MANE Select); coding-DNA position 1016, C replaced by T.
Protein change: p.Ser339Leu; replaces serine 339 with leucine.
Molecular consequence: missense variant. On other transcripts: 3 prime UTR variant (2).
Genome position (GRCh38, 1-based): chr1:119,032,978, G>A on the plus strand (C>T on the coding strand, the complement: WARS2 is on the minus strand). VCF-style: chr1-119032978-G-A. GRCh37 (hg19) VCF-style: chr1-119575601-G-A.
Other names: c.947C>T, p.Ser316Leu (NM_001378226.1, NM_001378227.1); c.845C>T, p.Ser282Leu (NM_001378228.1); c.758C>T, p.Ser253Leu (NM_001378229.1); c.734C>T, p.Ser245Leu (NM_001378230.1); c.*351C>T (NM_001378231.1); c.*382C>T (NM_201263.2); short protein forms S339L, S245L, S253L, S282L, S316L.
Identifiers: ClinVar variation 1028002 (VCV001028002.1), dbSNP rs1647554050, ClinGen allele CA341436145.